The following is an entry in ClinVar:

NM_182548.4(LHFPL5):c.*447C>T

Gene: LHFPL5 (LHFPL tetraspan subfamily member 5; plus strand). Cytogenetic location: 6p21.31.
Variant type: single nucleotide variant.
Coding change: c.*447C>T on transcript NM_182548.4 (MANE Select); 447 bases downstream of the stop codon, C replaced by T.
Molecular consequence: 3 prime UTR variant.
Genome position (GRCh38, 1-based): chr6:35,823,412, C>T. VCF-style: chr6-35823412-C-T. GRCh37 (hg19) VCF-style: chr6-35791189-C-T.
Identifiers: ClinVar variation 907966 (VCV000907966.4), dbSNP rs549494089, ClinGen allele CA137313681.

ClinVar aggregate classification (germline): Likely benign (1 of 4 stars; one submission).

Conditions:
Autosomal recessive nonsyndromic hearing loss 67. Identifiers: Orphanet 90636, MedGen C1853223, MONDO:0012460, OMIM 610265.

Allele frequency attached by ClinVar (database versions not stated): gnomAD 0.01361 and 0.01456; 1000 Genomes Project 0.02935.

Submission:

Illumina Laboratory Services, Illumina
Classification: Likely benign for Autosomal recessive nonsyndromic hearing loss 67. Last evaluated: 2018-01-12. Review status: criteria provided, single submitter. Criteria: ICSL Variant Classification Criteria 13 December 2019. Collection method: clinical testing. Allele origin: germline.
Comment: This variant was observed in the ICSL laboratory as part of a predisposition screen in an ostensibly healthy population. It had not been previously curated by ICSL or reported in the Human Gene Mutation Database (HGMD: prior to June 1st, 2018), and was therefore a candidate for classification through an automated scoring system. Utilizing variant allele frequency, disease prevalence and penetrance estimates, and inheritance mode, an automated score was calculated to assess if this variant is too frequent to cause the disease. Based on the score and internal cut-off values, a variant classified as likely benign is not then subjected to further curation. The score for this variant resulted in a classification of likely benign for this disease.